The following is an entry in ClinVar:

ClinVar aggregate classification (germline): Conflicting classifications of pathogenicity. Review status: criteria provided, conflicting classifications (1 of 4 stars). 2 submissions from 2 submitters: Uncertain significance (1); Likely benign (1). Last evaluated 2025-01-27.

Conditions:
Long QT syndrome (LQTS). Identifiers: MedGen C0023976, MeSH D008133, MONDO:0002442. Disease mechanism: loss of function. Inheritance: Various modes of inheritance.

gnomAD v4.1: 37 of 1,614,170 alleles (0.0023%); highest among the groups gnomAD compares: South Asian, 0.041%; no homozygotes.

Submissions (2):

Women's Health and Genetics/Laboratory Corporation of America, LabCorp
Classification: Likely benign. Last evaluated: 2025-01-27. Review status: criteria provided, single submitter. Criteria: LabCorp Variant Classification Summary - May 2015. Collection method: clinical testing. Allele origin: germline.
Comment: Variant summary: ANK2 c.9055A>T (p.Met3019Leu) results in a conservative amino acid change in the encoded protein sequence. Five of five in-silico tools predict a benign effect of the variant on protein function. The variant allele was found at a frequency of 4.8e-05 in 250766 control chromosomes. The observed variant frequency is approximately 7.2-fold of the estimated maximal expected allele frequency for a pathogenic variant in ANK2 causing Long QT Syndrome phenotype (6.7e-06), sugesting the variant is benign. To our knowledge, no occurrence of c.9055A>T in individuals affected with Long QT Syndrome and no experimental evidence demonstrating its impact on protein function have been reported. No submitters have cited clinical-significance assessments for this variant to ClinVar. Based on the evidence outlined above, the variant was classified as likely benign.

Labcorp Genetics (formerly Invitae), Labcorp
Classification: Uncertain significance for Long QT syndrome. Last evaluated: 2024-05-29. Review status: criteria provided, single submitter. Criteria: Invitae Variant Classification Sherloc (09022015). Collection method: clinical testing. Allele origin: germline.
Comment: This sequence change replaces methionine, which is neutral and non-polar, with leucine, which is neutral and non-polar, at codon 3019 of the ANK2 protein (p.Met3019Leu). This variant is present in population databases (rs370499072, gnomAD 0.04%). This variant has not been reported in the literature in individuals affected with ANK2-related conditions. Algorithms developed to predict the effect of missense changes on protein structure and function output the following: SIFT: "Not Available"; PolyPhen-2: "Benign"; Align-GVGD: "Not Available". The leucine amino acid residue is found in multiple mammalian species, which suggests that this missense change does not adversely affect protein function. In summary, the available evidence is currently insufficient to determine the role of this variant in disease. Therefore, it has been classified as a Variant of Uncertain Significance.

NM_001148.6(ANK2):c.9055A>T (p.Met3019Leu)

Gene: ANK2 (ankyrin 2; plus strand). Cytogenetic location: 4q26.
Variant type: single nucleotide variant.
Coding change: c.9055A>T on transcript NM_001148.6 (MANE Select); coding-DNA position 9055, A replaced by T.
Protein change: p.Met3019Leu; replaces methionine 3019 with leucine.
Molecular consequence: missense variant. On other transcripts: intron variant (68).
Genome position (GRCh38, 1-based): chr4:113,357,673, A>T. VCF-style: chr4-113357673-A-T. GRCh37 (hg19) VCF-style: chr4-114278829-A-T.
Other names: c.4241-3150A>T (NM_001354276.2, NM_001354267.2, NM_001386162.1 and 2 more transcripts); c.4208-3150A>T (NM_001386146.1, NM_001386150.1, NM_001386149.1 and 1 more transcripts); c.4193-3150A>T (NM_001354274.2, NM_001386154.1); c.4142-3150A>T (NM_001386151.1, NM_001354260.2, NM_001354271.2); c.4043-3150A>T (NM_001386157.1, NM_001354277.2); c.4361-3150A>T (NM_001386161.1, NM_001354244.2, NM_001354256.2); c.4286-3150A>T (NM_001354261.2); c.4166-3150A>T (NM_001386156.1, NM_001354257.2); and 35 more; short protein forms M1819L, M2941L, M3019L, M3058L, M3066L.
Identifiers: ClinVar variation 3625943 (VCV003625943.4).